The following is an entry in ClinVar:

NM_020778.5(ALPK3):c.606C>G (p.His202Gln)

Gene: ALPK3 (alpha kinase 3; plus strand). Cytogenetic location: 15q25.3.
Variant type: single nucleotide variant.
Coding change: c.606C>G on transcript NM_020778.5 (MANE Select); coding-DNA position 606, C replaced by G.
Protein change: p.His202Gln; replaces histidine 202 with glutamine.
Molecular consequence: missense variant.
Genome position (GRCh38, 1-based): chr15:84,839,885, C>G. VCF-style: chr15-84839885-C-G. GRCh37 (hg19) VCF-style: chr15-85383116-C-G.
Other names: short protein forms H202Q.
Identifiers: ClinVar variation 2804861 (VCV002804861.3), dbSNP rs376691348, ClinGen allele CA393373072.

ClinVar aggregate classification (germline): Uncertain significance (1 of 4 stars; one submission).

Submission:

Labcorp Genetics (formerly Invitae), Labcorp
Classification: Uncertain significance. Last evaluated: 2024-07-06. Review status: criteria provided, single submitter. Criteria: Invitae Variant Classification Sherloc (09022015). Collection method: clinical testing. Allele origin: germline.
Comment: This sequence change replaces histidine, which is basic and polar, with glutamine, which is neutral and polar, at codon 404 of the ALPK3 protein (p.His404Gln). This variant is not present in population databases (gnomAD no frequency). This variant has not been reported in the literature in individuals affected with ALPK3-related conditions. Algorithms developed to predict the effect of missense changes on protein structure and function output the following: SIFT: "Not Available"; PolyPhen-2: "Benign"; Align-GVGD: "Not Available". The glutamine amino acid residue is found in multiple mammalian species, which suggests that this missense change does not adversely affect protein function. In summary, the available evidence is currently insufficient to determine the role of this variant in disease. Therefore, it has been classified as a Variant of Uncertain Significance.